The following is an entry in ClinVar:

NM_014874.4(MFN2):c.239G>T (p.Gly80Val)

Gene: MFN2 (mitofusin 2; plus strand). Cytogenetic location: 1p36.22.
Variant type: single nucleotide variant.
Coding change: c.239G>T on transcript NM_014874.4 (MANE Select); coding-DNA position 239, G replaced by T.
Protein change: p.Gly80Val; replaces glycine 80 with valine.
Molecular consequence: missense variant.
Genome position (GRCh38, 1-based): chr1:11,992,618, G>T. VCF-style: chr1-11992618-G-T. GRCh37 (hg19) VCF-style: chr1-12052675-G-T.
Other names: p.Gly80Val; c.239G>T, p.Gly80Val (NM_001127660.2); short protein forms G80V.
Identifiers: ClinVar variation 637288 (VCV000637288.11), dbSNP rs139827903, ClinGen allele CA598781.

ClinVar aggregate classification (germline): Conflicting classifications of pathogenicity. Review status: criteria provided, conflicting classifications (1 of 4 stars). 4 submissions from 4 submitters: Likely pathogenic (1); Uncertain significance (2). 1 of the submissions does not count toward it. Last evaluated 2022-12-06.

Conditions:
Charcot-Marie-Tooth disease. Also called: Charcot-Marie-Tooth Neuropathy; Charcot-Marie-Tooth Hereditary Neuropathy. Identifiers: Orphanet 166, MedGen C0007959, MONDO:0015626.
Charcot-Marie-Tooth disease type 2. Also called: Charcot-Marie-Tooth type 2. Identifiers: Orphanet 64746, MedGen C0270914, MONDO:0018993.

Allele frequency attached by ClinVar (database versions not stated): TOPMed 0.00002; ExAC 0.00003; 1000 Genomes Project 0.00020; 1000 Genomes Project 30x 0.00016.
gnomAD v4.1: 7 of 1,614,168 alleles (0.00043%); highest among the groups gnomAD compares: African/African-American, 0.0067%; no homozygotes.

Submissions (4):

Athena Diagnostics
Classification: Uncertain significance. Last evaluated: 2022-12-06. Review status: criteria provided, single submitter. Criteria: Athena Diagnostics Criteria. Collection method: clinical testing. Allele origin: unknown.
Comment: Available data are insufficient to determine the clinical significance of the variant at this time. The frequency of this variant in the general population is uninformative in assessment of its pathogenicity. Computational tools disagree on the variant's effect on normal protein function.

Labcorp Genetics (formerly Invitae), Labcorp
Classification: Uncertain significance for Charcot-Marie-Tooth disease type 2. Last evaluated: 2022-07-05. Review status: criteria provided, single submitter. Criteria: Invitae Variant Classification Sherloc (09022015). Collection method: clinical testing. Allele origin: germline.
Comment: In summary, the available evidence is currently insufficient to determine the role of this variant in disease. Therefore, it has been classified as a Variant of Uncertain Significance. Algorithms developed to predict the effect of missense changes on protein structure and function are either unavailable or do not agree on the potential impact of this missense change (SIFT: "Deleterious"; PolyPhen-2: "Benign"; Align-GVGD: "Class C15"). ClinVar contains an entry for this variant (Variation ID: 637288). This missense change has been observed in individual(s) with clinical features of autosomal recessive Charcot-Marie-Tooth disease (PMID: 27706887). This variant is present in population databases (rs139827903, gnomAD 0.02%). This sequence change replaces glycine, which is neutral and non-polar, with valine, which is neutral and non-polar, at codon 80 of the MFN2 protein (p.Gly80Val).

Mayo Clinic Laboratories, Mayo Clinic
Classification: Likely pathogenic. Last evaluated: 2022-06-01. Review status: criteria provided, single submitter. Criteria: ACMG Guidelines, 2015. Collection method: clinical testing. Allele origin: germline. Observed: 1 variant allele.
Comment: PP3, PM2, PM3, PS4_moderate

Inherited Neuropathy Consortium
Classification: Uncertain significance for Charcot-Marie-Tooth disease. Review status: no assertion criteria provided. Collection method: literature only. Allele origin: germline. Affected: yes. Not counted in ClinVar's aggregate classification.

Literature cited by the submitters: PubMed 24957169 (cited by 3 submitters); PubMed 27706887 (cited by 3 submitters); PubMed 25412673 (cited by Athena Diagnostics).